The following is an entry in ClinVar:

NM_020911.2(PLXNA4):c.4043T>C (p.Val1348Ala)

Gene: PLXNA4 (plexin A4; minus strand). Cytogenetic location: 7q32.3.
Variant type: single nucleotide variant.
Coding change: c.4043T>C on transcript NM_020911.2 (MANE Select); coding-DNA position 4043, T replaced by C.
Protein change: p.Val1348Ala; replaces valine 1348 with alanine.
Molecular consequence: missense variant.
Genome position (GRCh38, 1-based): chr7:132,168,547, A>G on the plus strand (T>C on the coding strand, the complement: PLXNA4 is on the minus strand). VCF-style: chr7-132168547-A-G. GRCh37 (hg19) VCF-style: chr7-131853306-A-G.
Other names: c.4043T>C, p.Val1348Ala (NM_001393897.1); short protein forms V1348A.
Identifiers: ClinVar variation 3355581 (VCV003355581.1).

ClinVar aggregate classification (germline): Uncertain significance (0 of 4 stars; one submission).

Conditions:
PLXNA4-related disorder. Also called: PLXNA4-related condition.

gnomAD v4.1: 4 of 1,597,232 alleles (0.00025%); highest among the groups gnomAD compares: African/African-American, 0.0027%; no homozygotes.

Submission:

PreventionGenetics, part of Exact Sciences
Classification: Uncertain significance for PLXNA4-related condition. Last evaluated: 2024-06-28. Review status: no assertion criteria provided. Collection method: clinical testing. Allele origin: germline.
Comment: The PLXNA4 c.4043T>C variant is predicted to result in the amino acid substitution p.Val1348Ala. To our knowledge, this variant has not been reported in the literature or in a large population database, indicating this variant is rare. At this time, the clinical significance of this variant is uncertain due to the absence of conclusive functional and genetic evidence.